The following is an entry in ClinVar:

NM_014283.5(SUCO):c.1994C>T (p.Pro665Leu)

Gene: SUCO (SUN domain containing ossification factor; plus strand). Cytogenetic location: 1q24.3.
Variant type: single nucleotide variant.
Coding change: c.1994C>T on transcript NM_014283.5 (MANE Select); coding-DNA position 1994, C replaced by T.
Protein change: p.Pro665Leu; replaces proline 665 with leucine.
Molecular consequence: missense variant. On other transcripts: intron variant (1).
Genome position (GRCh38, 1-based): chr1:172,589,095, C>T. VCF-style: chr1-172589095-C-T. GRCh37 (hg19) VCF-style: chr1-172558235-C-T.
Other names: c.1994C>T (NM_014283.3); c.305C>T, p.Pro102Leu (NM_001282751.2); c.2447C>T, p.Pro816Leu (NM_016227.4); c.1712+171C>T (NM_001282750.2); short protein forms P102L, P665L, P816L.
Identifiers: ClinVar variation 3717751 (VCV003717751.3).

ClinVar aggregate classification (germline): Uncertain significance. Review status: criteria provided, multiple submitters, no conflicts (2 of 4 stars). 2 submissions from 2 submitters: Uncertain significance (2). Last evaluated 2025-11-26.

gnomAD v4.1: 9 of 1,613,434 alleles (0.00056%); highest among the groups gnomAD compares: South Asian, 0.0011%; no homozygotes.

Submissions (2):

Ambry Genetics
Classification: Uncertain significance. Last evaluated: 2025-11-26. Review status: criteria provided, single submitter. Criteria: Ambry Variant Classification Scheme 2023. Collection method: clinical testing. Allele origin: germline.

Labcorp Genetics (formerly Invitae), Labcorp
Classification: Uncertain significance. Last evaluated: 2024-10-25. Review status: criteria provided, single submitter. Criteria: Invitae Variant Classification Sherloc (09022015). Collection method: clinical testing. Allele origin: germline.
Comment: This sequence change replaces proline, which is neutral and non-polar, with leucine, which is neutral and non-polar, at codon 665 of the SUCO protein (p.Pro665Leu). This variant is present in population databases (no rsID available, gnomAD 0.002%). This variant has not been reported in the literature in individuals affected with SUCO-related conditions. An algorithm developed to predict the effect of missense changes on protein structure and function (PolyPhen-2) suggests that this variant is likely to be tolerated. In summary, the available evidence is currently insufficient to determine the role of this variant in disease. Therefore, it has been classified as a Variant of Uncertain Significance.